The following is an entry in ClinVar:

NM_003072.5(SMARCA4):c.308A>T (p.His103Leu)

Gene: SMARCA4 (SWI/SNF related BAF chromatin remodeling complex subunit ATPase 4; plus strand). Cytogenetic location: 19p13.2.
Variant type: single nucleotide variant.
Coding change: c.308A>T on transcript NM_003072.5 (MANE Select); coding-DNA position 308, A replaced by T.
Protein change: p.His103Leu; replaces histidine 103 with leucine.
Molecular consequence: missense variant. On other transcripts: non-coding transcript variant (1).
Genome position (GRCh38, 1-based): chr19:10,985,358, A>T. VCF-style: chr19-10985358-A-T. GRCh37 (hg19) VCF-style: chr19-11096034-A-T.
Other names: c.308A>T, p.His103Leu (NM_001128844.3, NM_001128845.2, NM_001128846.2 and 4 more transcripts); short protein forms H103L.
Identifiers: ClinVar variation 822837 (VCV000822837.9), dbSNP rs770147215, ClinGen allele CA404055261.

ClinVar aggregate classification (germline): Uncertain significance. Review status: criteria provided, multiple submitters, no conflicts (2 of 4 stars). 2 submissions from 2 submitters: Uncertain significance (2). Last evaluated 2022-06-14.

Conditions:
Hereditary cancer-predisposing syndrome. Also called: Tumor predisposition; Hereditary Cancer Syndrome; Neoplastic Syndromes, Hereditary; Hereditary neoplastic syndrome. Identifiers: Orphanet 140162, MedGen C0027672, MeSH D009386, MONDO:0015356.
Rhabdoid tumor predisposition syndrome 2 (RTPS2). Identifiers: Orphanet 231108, Orphanet 69077, MedGen C2750074, MONDO:0013224, OMIM 613325.

Submissions (2):

Labcorp Genetics (formerly Invitae), Labcorp
Classification: Uncertain significance for Rhabdoid tumor predisposition syndrome 2. Last evaluated: 2022-06-14. Review status: criteria provided, single submitter. Criteria: Invitae Variant Classification Sherloc (09022015). Collection method: clinical testing. Allele origin: germline.
Comment: This sequence change replaces histidine, which is basic and polar, with leucine, which is neutral and non-polar, at codon 103 of the SMARCA4 protein (p.His103Leu). This variant is not present in population databases (gnomAD no frequency). In summary, the available evidence is currently insufficient to determine the role of this variant in disease. Therefore, it has been classified as a Variant of Uncertain Significance. Algorithms developed to predict the effect of missense changes on protein structure and function (SIFT, PolyPhen-2, Align-GVGD) all suggest that this variant is likely to be disruptive. ClinVar contains an entry for this variant (Variation ID: 822837). This variant has not been reported in the literature in individuals affected with SMARCA4-related conditions.

Ambry Genetics
Classification: Uncertain significance for Hereditary cancer-predisposing syndrome. Last evaluated: 2022-05-04. Review status: criteria provided, single submitter. Criteria: Ambry Variant Classification Scheme 2023. Collection method: clinical testing. Allele origin: germline.
Comment: The p.H103L variant (also known as c.308A>T), located in coding exon 2 of the SMARCA4 gene, results from an A to T substitution at nucleotide position 308. The histidine at codon 103 is replaced by leucine, an amino acid with similar properties. This amino acid position is highly conserved in available vertebrate species. In addition, the in silico prediction for this alteration is inconclusive. Missense and in-frame variants in SMARCA4 are known to cause neurodevelopmental disorders; however, such associations with rhabdoid tumor predisposition syndrome including small cell carcinoma of the ovary-hypercalcemic type (SCCOHT) are exceedingly rare (Kosho T et al. Am J Med Genet C Semin Med Genet. 2014 Sep;166C(3):262-75; Jelinic P et al. Nat Genet. 2014 May;46(5):424-6). Since supporting evidence is limited at this time, the clinical significance of this alteration remains unclear.